The following is an entry in ClinVar:

NM_001349338.3(FOXP1):c.1813_1814delinsTT (p.Glu605Leu)

Gene: FOXP1 (forkhead box P1; minus strand). Cytogenetic location: 3p13.
Variant type: Indel.
Coding change: c.1813_1814delinsTT on transcript NM_001349338.3 (MANE Select); coding-DNA positions 1813 to 1814, GA replaced by TT.
Protein change: p.Glu605Leu; replaces glutamic acid 605 with leucine.
Molecular consequence: missense variant. On other transcripts: non-coding transcript variant (2).
Genome position (GRCh38, 1-based): chr3:70,965,965-70,965,966, TC replaced by AA on the plus strand (GA replaced by TT on the coding strand, the reverse complement: FOXP1 is on the minus strand). VCF-style: chr3-70965965-TC-AA. GRCh37 (hg19) VCF-style: chr3-71015116-TC-AA.
Other names: c.1810_1811delinsTT, p.Glu604Leu (NM_001244808.3, NM_001349341.3); c.1861_1862delinsTT, p.Glu621Leu (NM_001244810.2); c.1585_1586delinsTT, p.Glu529Leu (NM_001244812.3); c.1513_1514delinsTT, p.Glu505Leu (NM_001244813.3, NM_001244815.2, NM_001349342.3); c.1813_1814delinsTT, p.Glu605Leu (NM_001244814.3, NM_001244816.2, NM_001349340.3 and 1 more transcripts); c.1510_1511delinsTT, p.Glu504Leu (NM_001349337.2, NM_001349343.3, NM_001349344.3 and 1 more transcripts); short protein forms E504L, E505L, E529L, E604L, E605L, E621L.
Identifiers: ClinVar variation 1717548 (VCV001717548.5), dbSNP rs2544929326, ClinGen allele CA2580070427.

ClinVar aggregate classification (germline): Uncertain significance (1 of 4 stars; one submission).

Submission:

Labcorp Genetics (formerly Invitae), Labcorp
Classification: Uncertain significance. Last evaluated: 2022-08-22. Review status: criteria provided, single submitter. Criteria: Invitae Variant Classification Sherloc (09022015). Collection method: clinical testing. Allele origin: germline.
Comment: In summary, the available evidence is currently insufficient to determine the role of this variant in disease. Therefore, it has been classified as a Variant of Uncertain Significance. Algorithms developed to predict the effect of missense changes on protein structure and function are either unavailable or do not agree on the potential impact of this missense change (SIFT: "Not Available"; PolyPhen-2: "Benign"; Align-GVGD: "Not Available"). This variant has not been reported in the literature in individuals affected with FOXP1-related conditions. Information on the frequency of this variant in the gnomAD database is not available, as this variant may be reported differently in the database. This sequence change replaces glutamic acid, which is acidic and polar, with leucine, which is neutral and non-polar, at codon 605 of the FOXP1 protein (p.Glu605Leu).